The following is an entry in ClinVar:

ClinVar aggregate classification (germline): Likely benign. Review status: criteria provided, multiple submitters, no conflicts (2 of 4 stars). 3 submissions from 3 submitters: Likely benign (2). 1 of the submissions does not count toward it. Last evaluated 2026-01-21.

Conditions:
Sphingolipid activator protein 1 deficiency. Also called: Metachromatic leukodystrophy due to saposin B deficiency; METACHROMATIC LEUKODYSTROPHY DUE TO CEREBROSIDE SULFATASE ACTIVATOR DEFICIENCY; Saposin B Deficiency. Identifiers: Orphanet 512, MedGen C0268262, MONDO:0009590, OMIM 249900.
Metachromatic leukodystrophy (MLD). Also called: Cerebral sclerosis diffuse metachromatic form; ARSA DEFICIENCY; CEREBROSIDE SULFATASE DEFICIENCY; METACHROMATIC LEUKOENCEPHALOPATHY; SULFATIDE LIPIDOSIS; Arylsulfatase A Deficiency. Identifiers: Orphanet 512, MedGen C0023522, MONDO:0018868, OMIM 250100.

Allele frequency attached by ClinVar (database versions not stated): gnomAD 0.00002; TOPMed 0.00003; ExAC 0.00004; gnomAD exomes 0.00004; 1000 Genomes Project 30x 0.00016; 1000 Genomes Project 0.00020.
gnomAD v4.1: 43 of 1,613,870 alleles (0.0027%); highest among the groups gnomAD compares: Middle Eastern, 0.017%; no homozygotes.

Submissions (3):

Labcorp Genetics (formerly Invitae), Labcorp
Classification: Likely benign for Sphingolipid activator protein 1 deficiency. Last evaluated: 2026-01-21. Review status: criteria provided, single submitter. Criteria: Invitae Variant Classification Sherloc (09022015). Collection method: clinical testing. Allele origin: germline.

CeGaT Center for Human Genetics Tuebingen
Classification: Likely benign. Last evaluated: 2024-01-01. Review status: criteria provided, single submitter. Criteria: CeGaT Center For Human Genetics Tuebingen Variant Classification Criteria Version 2. Collection method: clinical testing. Allele origin: germline. Affected: yes. Observed: 1 variant allele.
Comment: PSAP: BP4, BP7

Natera, Inc.
Classification: Uncertain significance for Metachromatic leukodystrophy. Last evaluated: 2020-03-10. Review status: no assertion criteria provided. Collection method: clinical testing. Allele origin: germline. Not counted in ClinVar's aggregate classification.

NM_002778.4(PSAP):c.153C>T (p.Thr51=)

Gene: PSAP (prosaposin; minus strand). Cytogenetic location: 10q22.1.
Variant type: single nucleotide variant.
Coding change: c.153C>T on transcript NM_002778.4 (MANE Select); coding-DNA position 153, C replaced by T.
Protein change: p.Thr51=; no amino-acid change (threonine 51 retained).
Molecular consequence: synonymous variant.
Genome position (GRCh38, 1-based): chr10:71,834,393, G>A on the plus strand (C>T on the coding strand, the complement: PSAP is on the minus strand). VCF-style: chr10-71834393-G-A. GRCh37 (hg19) VCF-style: chr10-73594150-G-A.
Other names: c.153C>T, p.Thr51= (NM_001042465.3, NM_001042466.3).
Identifiers: ClinVar variation 732071 (VCV000732071.34), dbSNP rs11555016, ClinGen allele CA5547884.